The following is an entry in ClinVar:

NM_198506.5(LRIT3):c.383T>G (p.Met128Arg)

Gene: LRIT3 (leucine rich repeat, Ig-like and transmembrane domains 3; plus strand). Cytogenetic location: 4q25.
Variant type: single nucleotide variant.
Coding change: c.383T>G on transcript NM_198506.5 (MANE Select); coding-DNA position 383, T replaced by G.
Protein change: p.Met128Arg; replaces methionine 128 with arginine.
Molecular consequence: missense variant.
Genome position (GRCh38, 1-based): chr4:109,851,770, T>G. VCF-style: chr4-109851770-T-G. GRCh37 (hg19) VCF-style: chr4-110772926-T-G.
Other names: c.248T>G (NM_198506.2); c.383T>G (NM_198506.4); short protein forms M128R.
Identifiers: ClinVar variation 1024052 (VCV001024052.6), dbSNP rs765920612, ClinGen allele CA3042985.

ClinVar aggregate classification (germline): Uncertain significance. Review status: criteria provided, multiple submitters, no conflicts (2 of 4 stars). 3 submissions from 3 submitters: Uncertain significance (3). Last evaluated 2025-07-31.

Conditions:
Inborn genetic diseases. Identifiers: MedGen C0950123, MeSH D030342.

Allele frequency attached by ClinVar (database versions not stated): TOPMed 0.00002.

Submissions (3):

Ambry Genetics
Classification: Uncertain significance for Inborn genetic diseases. Last evaluated: 2025-07-31. Review status: criteria provided, single submitter. Criteria: Ambry Variant Classification Scheme 2023. Collection method: clinical testing. Allele origin: germline.

GeneDx
Classification: Uncertain significance. Last evaluated: 2024-10-23. Review status: criteria provided, single submitter. Criteria: GeneDx Variant Classification Process June 2021. Collection method: clinical testing. Allele origin: germline. Affected: yes.
Comment: In silico analysis supports that this missense variant has a deleterious effect on protein structure/function; Has not been previously published as pathogenic or benign to our knowledge

Labcorp Genetics (formerly Invitae), Labcorp
Classification: Uncertain significance. Last evaluated: 2022-04-01. Review status: criteria provided, single submitter. Criteria: Invitae Variant Classification Sherloc (09022015). Collection method: clinical testing. Allele origin: germline.
Comment: This sequence change replaces methionine, which is neutral and non-polar, with arginine, which is basic and polar, at codon 128 of the LRIT3 protein (p.Met128Arg). This variant is present in population databases (rs765920612, gnomAD 0.003%). This variant has not been reported in the literature in individuals affected with LRIT3-related conditions. ClinVar contains an entry for this variant (Variation ID: 1024052). Algorithms developed to predict the effect of missense changes on protein structure and function are either unavailable or do not agree on the potential impact of this missense change (SIFT: "Deleterious"; PolyPhen-2: "Possibly Damaging"; Align-GVGD: "Class C0"). Algorithms developed to predict the effect of sequence changes on RNA splicing suggest that this variant may create or strengthen a splice site. In summary, the available evidence is currently insufficient to determine the role of this variant in disease. Therefore, it has been classified as a Variant of Uncertain Significance.